The following is an entry in ClinVar:

ClinVar aggregate classification (germline): Uncertain significance. Review status: criteria provided, multiple submitters, no conflicts (2 of 4 stars). 2 submissions from 2 submitters: Uncertain significance (2). Last evaluated 2025-08-10.

Conditions:
Inborn genetic diseases. Identifiers: MedGen C0950123, MeSH D030342.

Allele frequency attached by ClinVar (database versions not stated): gnomAD exomes 0.00003; ExAC 0.00007; gnomAD 0.00025; 1000 Genomes Project 0.00040; 1000 Genomes Project 30x 0.00047; TOPMed 0.00047.
gnomAD v4.1: 86 of 1,605,536 alleles (0.0054%); highest among the groups gnomAD compares: Admixed American, 0.075%; no homozygotes.

Submissions (2):

Ambry Genetics
Classification: Uncertain significance for Inborn genetic diseases. Last evaluated: 2025-08-10. Review status: criteria provided, single submitter. Criteria: Ambry Variant Classification Scheme 2023. Collection method: clinical testing. Allele origin: germline.

Labcorp Genetics (formerly Invitae), Labcorp
Classification: Uncertain significance. Last evaluated: 2023-10-14. Review status: criteria provided, single submitter. Criteria: Invitae Variant Classification Sherloc (09022015). Collection method: clinical testing. Allele origin: germline.
Comment: This sequence change replaces histidine, which is basic and polar, with arginine, which is basic and polar, at codon 2809 of the DNAH9 protein (p.His2809Arg). This variant is present in population databases (rs200455683, gnomAD 0.01%). This variant has not been reported in the literature in individuals affected with DNAH9-related conditions. ClinVar contains an entry for this variant (Variation ID: 2144429). Advanced modeling of protein sequence and biophysical properties (such as structural, functional, and spatial information, amino acid conservation, physicochemical variation, residue mobility, and thermodynamic stability) performed at Invitae indicates that this missense variant is not expected to disrupt DNAH9 protein function. In summary, the available evidence is currently insufficient to determine the role of this variant in disease. Therefore, it has been classified as a Variant of Uncertain Significance.

NM_001372.4(DNAH9):c.8426A>G (p.His2809Arg)

Gene: DNAH9 (dynein axonemal heavy chain 9; plus strand). Cytogenetic location: 17p12.
Variant type: single nucleotide variant.
Coding change: c.8426A>G on transcript NM_001372.4 (MANE Select); coding-DNA position 8426, A replaced by G.
Protein change: p.His2809Arg; replaces histidine 2809 with arginine.
Molecular consequence: missense variant.
Genome position (GRCh38, 1-based): chr17:11,807,737, A>G. VCF-style: chr17-11807737-A-G. GRCh37 (hg19) VCF-style: chr17-11711054-A-G.
Other names: c.8426A>G (NM_001372.3); short protein forms H2809R.
Identifiers: ClinVar variation 2144429 (VCV002144429.3), dbSNP rs200455683, ClinGen allele CA8396930.